The following is an entry in ClinVar:

ClinVar aggregate classification (germline): Pathogenic (1 of 4 stars; one submission).

Submission:

GeneDx
Classification: Pathogenic. Last evaluated: 2017-10-03. Review status: criteria provided, single submitter. Criteria: GeneDx Variant Classification (06012015). Collection method: clinical testing. Allele origin: germline. Affected: yes.
Comment: The c.5305_5306dupAC pathogenic variant in the MYO15A gene causes a frameshift starting with codon Valine 1770, changes this amino acid to a Leucine residue and creates a premature Stop codon at position 28 of the new reading frame, denoted p.Val1770LeufsX28. This pathogenic variant is predicted to cause loss of normal protein function either through protein truncation or nonsense-mediated mRNA decay. The c.5305_5306dupAC variant is not observed in large population cohorts (Lek et al., 2016).

NM_016239.4(MYO15A):c.5305_5306dup (p.Val1770fs)

Gene: MYO15A (myosin XVA; plus strand). Cytogenetic location: 17p11.2.
Variant type: Microsatellite.
Coding change: c.5305_5306dup on transcript NM_016239.4 (MANE Select); coding-DNA positions 5305 to 5306, 2 bases duplicated (AC; older notation c.5305_5306dupAC).
Protein change: p.Val1770fs; shifts the reading frame from valine 1770.
Molecular consequence: frameshift variant.
Genome position (GRCh38, 1-based): chr17:18,140,610-18,140,611, AC duplicated; duplicating any 2 consecutive bases within chr17:18,140,607-18,140,611 gives the same sequence; the c. name uses the placement nearest the transcript's 3' end. VCF-style (leftmost placement, unchanged base first): chr17-18140606-G-GCA. GRCh37 (hg19) VCF-style: chr17-18043920-G-GCA.
Other names: short protein forms V1770fs.
Identifiers: ClinVar variation 503775 (VCV000503775.1), dbSNP rs1555544187, ClinGen allele CA658798727.
Genomic context (GRCh38, chr17:18,140,606, plus strand): 5'-CCCACAGGCTGCCCCTCAGCGCCTGGGCAAGAGCAGCTCCGTCACTCGGCTCTACAAGGC[G>GCA]CACACTGTGGCCGCCAAGTTCCAGCAGTCACTCCTGGATCTGGTGGAAAAGATGGAGAGG-3'